The following is an entry in ClinVar:

ClinVar aggregate classification (germline): Uncertain significance (1 of 4 stars; one submission).

Conditions:
Argininosuccinate lyase deficiency. Also called: Argininosuccinic aciduria; ARGININOSUCCINIC ACID LYASE DEFICIENCY; ASL DEFICIENCY. Identifiers: Orphanet 23, MedGen C0268547, MONDO:0008815, OMIM 207900, HP:0025630.

Allele frequency attached by ClinVar (database versions not stated): ExAC 0.00001; gnomAD 0.00001; gnomAD exomes 0.00001.
gnomAD v4.1: 14 of 1,608,844 alleles (0.00087%); highest among the groups gnomAD compares: Non-Finnish European, 0.0011%; no homozygotes.

Submission:

Labcorp Genetics (formerly Invitae), Labcorp
Classification: Uncertain significance for Argininosuccinate lyase deficiency. Last evaluated: 2024-10-15. Review status: criteria provided, single submitter. Criteria: Invitae Variant Classification Sherloc (09022015). Collection method: clinical testing. Allele origin: germline.
Comment: This sequence change affects codon 97 of the ASL mRNA. It is a 'silent' change, meaning that it does not change the encoded amino acid sequence of the ASL protein. This variant also falls at the last nucleotide of exon 4, which is part of the consensus splice site for this exon. This variant is present in population databases (rs778679108, gnomAD 0.006%). This variant has not been reported in the literature in individuals affected with ASL-related conditions. ClinVar contains an entry for this variant (Variation ID: 2199865). Variants that disrupt the consensus splice site are a relatively common cause of aberrant splicing (PMID: 17576681, 9536098). Algorithms developed to predict the effect of sequence changes on RNA splicing suggest that this variant is not likely to affect RNA splicing. In summary, the available evidence is currently insufficient to determine the role of this variant in disease. Therefore, it has been classified as a Variant of Uncertain Significance.

Literature cited by the submitters: PubMed 17576681; PubMed 9536098.

NM_000048.4(ASL):c.291G>A (p.Lys97=)

Gene: ASL (argininosuccinate lyase; plus strand). Cytogenetic location: 7q11.21.
Variant type: single nucleotide variant.
Coding change: c.291G>A on transcript NM_000048.4 (MANE Select); coding-DNA position 291, G replaced by A.
Protein change: p.Lys97=; no amino-acid change (lysine 97 retained).
Molecular consequence: synonymous variant.
Genome position (GRCh38, 1-based): chr7:66,082,451, G>A. VCF-style: chr7-66082451-G-A. GRCh37 (hg19) VCF-style: chr7-65547438-G-A.
Other names: c.291G>A, p.Lys97= (NM_001024943.2, NM_001024944.2, NM_001024946.2).
Identifiers: ClinVar variation 2199865 (VCV002199865.3), dbSNP rs778679108, ClinGen allele CA4276867.